The following is an entry in ClinVar:

ClinVar aggregate classification (germline): Uncertain significance (1 of 4 stars; one submission).

Submission:

GeneDx
Classification: Uncertain significance. Last evaluated: 2024-09-11. Review status: criteria provided, single submitter. Criteria: GeneDx Variant Classification Process June 2021. Collection method: clinical testing. Allele origin: germline. Affected: yes.
Comment: Frameshift variant predicted to result in abnormal protein length as the last 106 amino acids are replaced with 9 different amino acids; Not observed at significant frequency in large population cohorts (gnomAD); Has not been previously published as pathogenic or benign to our knowledge

NM_000815.5(GABRD):c.1039del (p.Val347fs)

Gene: GABRD (gamma-aminobutyric acid type A receptor subunit delta; plus strand). Cytogenetic location: 1p36.33.
Variant type: Deletion.
Coding change: c.1039del on transcript NM_000815.5 (MANE Select); coding-DNA position 1039, one base deleted (G; older notation c.1039delG).
Protein change: p.Val347fs; shifts the reading frame from valine 347.
Molecular consequence: frameshift variant.
Genome position (GRCh38, 1-based): chr1:2,029,742, G deleted; the last of 2 consecutive G bases (chr1:2,029,741-2,029,742); deleting either gives the same sequence. VCF-style (leftmost placement, unchanged base first): chr1-2029740-AG-A. GRCh37 (hg19) VCF-style: chr1-1961179-AG-A.
Other names: short protein forms V347fs.
Identifiers: ClinVar variation 3769959 (VCV003769959.1).